The following is an entry in ClinVar:

ClinVar aggregate classification (germline): Uncertain significance (1 of 4 stars; one submission).

Conditions:
Developmental and epileptic encephalopathy, 33 (DEE33). Also called: Epileptic encephalopathy, early infantile, 33. Identifiers: Orphanet 442835, MedGen C4225337, MONDO:0014625, OMIM 616409.

Submission:

Labcorp Genetics (formerly Invitae), Labcorp
Classification: Uncertain significance for Developmental and epileptic encephalopathy, 33. Last evaluated: 2022-05-27. Review status: criteria provided, single submitter. Criteria: Invitae Variant Classification Sherloc (09022015). Collection method: clinical testing. Allele origin: germline.
Comment: This variant is not present in population databases (gnomAD no frequency). This sequence change falls in intron 2 of the EEF1A2 gene. It does not directly change the encoded amino acid sequence of the EEF1A2 protein. This variant has not been reported in the literature in individuals affected with EEF1A2-related conditions. In summary, the available evidence is currently insufficient to determine the role of this variant in disease. Therefore, it has been classified as a Variant of Uncertain Significance. Algorithms developed to predict the effect of sequence changes on RNA splicing suggest that this variant may disrupt the consensus splice site.

NM_001958.5(EEF1A2):c.145-19_145-7dup

Gene: EEF1A2 (eukaryotic translation elongation factor 1 alpha 2; minus strand). Cytogenetic location: 20q13.33.
Variant type: Duplication.
Coding change: c.145-19_145-7dup on transcript NM_001958.5 (MANE Select); 19 bases into the intron before coding-DNA position 145 through 7 bases into the intron before coding-DNA position 145, 13 bases duplicated (TGACCCTCACCCG).
Molecular consequence: intron variant.
Genome position (GRCh38, 1-based): chr20:63,496,042-63,496,054, CGGGTGAGGGTCA duplicated on the plus strand (TGACCCTCACCCG on the coding strand, the reverse complement: EEF1A2 is on the minus strand); duplicating any 13 consecutive bases within chr20:63,496,042-63,496,057 gives the same sequence; the c. name uses the placement nearest the transcript's 3' end. VCF-style (leftmost placement, unchanged base first): chr20-63496041-G-GCGGGTGAGGGTCA. GRCh37 (hg19) VCF-style: chr20-62127394-G-GCGGGTGAGGGTCA.
Identifiers: ClinVar variation 1999307 (VCV001999307.4), dbSNP rs1491157916, ClinGen allele CA746468039.